The following is an entry in ClinVar:

ClinVar aggregate classification (germline): Benign (0 of 4 stars; one submission).

Conditions:
ARMC2-related disorder. Also called: ARMC2-related condition.

Allele frequency attached by ClinVar (database versions not stated): ExAC 0.00156; gnomAD 0.00509; 1000 Genomes Project 0.00519; TOPMed 0.00540; ESP Exome Variant Server 0.00554; 1000 Genomes Project 30x 0.00609.
gnomAD v4.1: 1,358 of 1,608,220 alleles (0.084%); highest among the groups gnomAD compares: African/African-American, 1.6%; 7 homozygotes.

Submission:

PreventionGenetics, part of Exact Sciences
Classification: Benign for ARMC2-related condition. Last evaluated: 2024-05-16. Review status: no assertion criteria provided. Collection method: clinical testing. Allele origin: germline.
Comment: This variant is classified as benign based on ACMG/AMP sequence variant interpretation guidelines (Richards et al. 2015 PMID: 25741868, with internal and published modifications).

NM_032131.6(ARMC2):c.297G>A (p.Pro99=)

Gene: ARMC2 (armadillo repeat containing 2; plus strand). Cytogenetic location: 6q21.
Variant type: single nucleotide variant.
Coding change: c.297G>A on transcript NM_032131.6 (MANE Select); coding-DNA position 297, G replaced by A.
Protein change: p.Pro99=; no amino-acid change (proline 99 retained).
Molecular consequence: synonymous variant. On other transcripts: 5 prime UTR variant (1).
Genome position (GRCh38, 1-based): chr6:108,868,829, G>A. VCF-style: chr6-108868829-G-A. GRCh37 (hg19) VCF-style: chr6-109190032-G-A.
Other names: c.-199G>A (NM_001286609.2).
Identifiers: ClinVar variation 3033187 (VCV003033187.2), dbSNP rs73524086, ClinGen allele CA3949601.